The following is an entry in ClinVar:

ClinVar aggregate classification (germline): Likely pathogenic (1 of 4 stars; one submission).

Submission:

Labcorp Genetics (formerly Invitae), Labcorp
Classification: Likely pathogenic. Last evaluated: 2022-05-29. Review status: criteria provided, single submitter. Criteria: Invitae Variant Classification Sherloc (09022015). Collection method: clinical testing. Allele origin: germline.
Comment: This variant results in the deletion of part of exon 34 (c.4440_4444+8del) of the POLE gene. It is expected to disrupt RNA splicing. Variants that disrupt the donor or acceptor splice site typically lead to a loss of protein function (PMID: 16199547), and loss-of-function variants in POLE are known to be pathogenic (PMID: 23230001, 25948378, 30503519). This variant is not present in population databases (gnomAD no frequency). This variant has not been reported in the literature in individuals affected with POLE-related conditions. Algorithms developed to predict the effect of sequence changes on RNA splicing suggest that this variant may disrupt the consensus splice site. In summary, the currently available evidence indicates that the variant is pathogenic, but additional data are needed to prove that conclusively. Therefore, this variant has been classified as Likely Pathogenic.

Literature cited by the submitters: PubMed 16199547; PubMed 23230001; PubMed 25948378; PubMed 30503519.

NM_006231.4(POLE):c.4440_4444+8del

Gene: POLE (DNA polymerase epsilon, catalytic subunit; minus strand). Cytogenetic location: 12q24.33.
Variant type: Deletion.
Coding change: c.4440_4444+8del on transcript NM_006231.4 (MANE Select); coding-DNA position 4440 through 8 bases into the intron after coding-DNA position 4444, 13 bases deleted (ACCAGGTATGGCC).
Molecular consequence: splice donor variant.
Genome position (GRCh38, 1-based): chr12:132,643,399-132,643,411, GGCCATACCTGGT deleted on the plus strand (ACCAGGTATGGCC on the coding strand, the reverse complement: POLE is on the minus strand). VCF-style (leftmost placement, unchanged base first): chr12-132643398-AGGCCATACCTGGT-A. GRCh37 (hg19) VCF-style: chr12-133219984-AGGCCATACCTGGT-A.
Identifiers: ClinVar variation 2000627 (VCV002000627.4), dbSNP rs2541891322, ClinGen allele CA2580086087.